The following is an entry in ClinVar:

ClinVar aggregate classification (germline): Benign/Likely benign. Review status: criteria provided, multiple submitters, no conflicts (2 of 4 stars). 2 submissions from 2 submitters: Benign (1); Likely benign (1). Last evaluated 2018-01-13.

Conditions:
Lissencephaly 4 (LIS4). Also called: Lissencephaly 4 (with microcephaly). Identifiers: Orphanet 1083, MedGen C3151461, MONDO:0013527, OMIM 614019.

Allele frequency attached by ClinVar (database versions not stated): 1000 Genomes Project 30x 0.00890; 1000 Genomes Project 0.00958; gnomAD 0.00231; TOPMed 0.00353.
gnomAD v4.1: 4,005 of 757,712 alleles (0.53%); highest among the groups gnomAD compares: South Asian, 2.3%; 55 homozygotes.

Submissions (2):

Illumina Laboratory Services, Illumina
Classification: Benign for Lissencephaly 4. Last evaluated: 2018-01-13. Review status: criteria provided, single submitter. Criteria: ICSL Variant Classification Criteria 13 December 2019. Collection method: clinical testing. Allele origin: germline.
Comment: This variant was observed in the ICSL laboratory as part of a predisposition screen in an ostensibly healthy population. It had not been previously curated by ICSL or reported in the Human Gene Mutation Database (HGMD: prior to June 1st, 2018), and was therefore a candidate for classification through an automated scoring system. Utilizing variant allele frequency, disease prevalence and penetrance estimates, and inheritance mode, an automated score was calculated to assess if this variant is too frequent to cause the disease. Based on the score and internal cut-off values, a variant classified as benign is not then subjected to further curation. The score for this variant resulted in a classification of benign for this disease.

Breakthrough Genomics
Classification: Likely benign. Review status: criteria provided, single submitter. Criteria: ACMG Guidelines, 2015. Collection method: not provided. Allele origin: germline. Inheritance: Autosomal recessive inheritance. Affected: yes.

NM_017668.3(NDE1):c.*863C>G

Genes: MYH11 (myosin heavy chain 11; minus strand), NDE1 (nudE neurodevelopment protein 1; plus strand). Cytogenetic location: 16p13.11.
Variant type: single nucleotide variant.
Coding change: c.*863C>G on transcript NM_017668.3 (MANE Select); 863 bases downstream of the stop codon, C replaced by G.
Molecular consequence: 3 prime UTR variant. On other transcripts: intron variant (4).
Genome position (GRCh38, 1-based): chr16:15,725,114, C>G. VCF-style: chr16-15725114-C-G. GRCh37 (hg19) VCF-style: chr16-15818971-C-G.
Other names: c.*863C>G (NM_001143979.2); c.3859-122G>C (NM_002474.3, NM_022844.3); c.3880-122G>C (NM_001040114.2, NM_001040113.2).
Identifiers: ClinVar variation 318127 (VCV000318127.7), dbSNP rs12927605, ClinGen allele CA10643062.